The following is an entry in ClinVar:

ClinVar aggregate classification (germline): Uncertain significance (1 of 4 stars; one submission).

gnomAD v4.1: 5 of 1,612,654 alleles (0.00031%); highest among the groups gnomAD compares: Non-Finnish European, 0.00042%; no homozygotes.

Submission:

Labcorp Genetics (formerly Invitae), Labcorp
Classification: Uncertain significance. Last evaluated: 2024-10-26. Review status: criteria provided, single submitter. Criteria: Invitae Variant Classification Sherloc (09022015). Collection method: clinical testing. Allele origin: germline.
Comment: This sequence change affects codon 3372 of the HSPG2 mRNA. It is a 'silent' change, meaning that it does not change the encoded amino acid sequence of the HSPG2 protein. This variant is not present in population databases (gnomAD no frequency). This variant has not been reported in the literature in individuals affected with HSPG2-related conditions. Algorithms developed to predict the effect of sequence changes on RNA splicing suggest that this variant may create or strengthen a splice site. In summary, the available evidence is currently insufficient to determine the role of this variant in disease. Therefore, it has been classified as a Variant of Uncertain Significance.

NM_005529.7(HSPG2):c.10116C>T (p.Gly3372=)

Gene: HSPG2 (heparan sulfate proteoglycan 2; minus strand). Cytogenetic location: 1p36.12.
Variant type: single nucleotide variant.
Coding change: c.10116C>T on transcript NM_005529.7 (MANE Select); coding-DNA position 10116, C replaced by T.
Protein change: p.Gly3372=; no amino-acid change (glycine 3372 retained).
Molecular consequence: synonymous variant.
Genome position (GRCh38, 1-based): chr1:21,838,859, G>A on the plus strand (C>T on the coding strand, the complement: HSPG2 is on the minus strand). VCF-style: chr1-21838859-G-A. GRCh37 (hg19) VCF-style: chr1-22165352-G-A.
Other names: c.10119C>T, p.Gly3373= (NM_001291860.2).
Identifiers: ClinVar variation 3723817 (VCV003723817.2).